The following is an entry in ClinVar:

ClinVar aggregate classification (germline): Uncertain significance (1 of 4 stars; one submission).

Submission:

Mayo Clinic Laboratories, Mayo Clinic
Classification: Uncertain significance. Last evaluated: 2022-07-19. Review status: criteria provided, single submitter. Criteria: ACMG Guidelines, 2015. Collection method: clinical testing. Allele origin: germline. Observed: 1 variant allele.
Comment: PP3, PM2

NM_003126.4(SPTA1):c.1489-12T>A

Gene: SPTA1 (spectrin alpha, erythrocytic 1; minus strand). Cytogenetic location: 1q23.1.
Variant type: single nucleotide variant.
Coding change: c.1489-12T>A on transcript NM_003126.4 (MANE Select); 12 bases into the intron before coding-DNA position 1489, T replaced by A.
Molecular consequence: intron variant.
Genome position (GRCh38, 1-based): chr1:158,671,465, A>T on the plus strand (T>A on the coding strand, the complement: SPTA1 is on the minus strand). VCF-style: chr1-158671465-A-T. GRCh37 (hg19) VCF-style: chr1-158641255-A-T.
Identifiers: ClinVar variation 2682672 (VCV002682672.1), dbSNP rs2525269933, ClinGen allele CA2697554618.
Genomic context (GRCh38, chr1:158,671,465, plus strand): 5'-CTTCTGCACTGCCCAGTGAGTTTCCCAGATCCTCGTTTTCCAGGAAGGCCTGTAGAAGAC[A>T]GAAAGACACACCTAAGCTGTGTCTGACCGGTAAGAAACATTCCTCTTGGCATATCTCTGA-3'